The following is an entry in ClinVar:

NM_012210.4(TRIM32):c.1046C>G (p.Ala349Gly)

Genes: ASTN2 (astrotactin 2; minus strand), TRIM32 (tripartite motif containing 32; plus strand). Cytogenetic location: 9q33.1.
Variant type: single nucleotide variant.
Coding change: c.1046C>G on transcript NM_012210.4 (MANE Select); coding-DNA position 1046, C replaced by G.
Protein change: p.Ala349Gly; replaces alanine 349 with glycine.
Molecular consequence: missense variant. On other transcripts: intron variant (3).
Genome position (GRCh38, 1-based): chr9:116,698,788, C>G. VCF-style: chr9-116698788-C-G. GRCh37 (hg19) VCF-style: chr9-119461067-C-G.
Other names: c.1046C>G, p.Ala349Gly (NM_001099679.2, NM_001379048.1, NM_001379049.1 and 1 more transcripts); c.2653+26983G>C (NM_014010.5); c.2794+26983G>C (NM_001365069.1); c.2806+26983G>C (NM_001365068.1); short protein forms A349G.
Identifiers: ClinVar variation 462945 (VCV000462945.16), dbSNP rs774316527, ClinGen allele CA5211099.

ClinVar aggregate classification (germline): Conflicting classifications of pathogenicity. Review status: criteria provided, conflicting classifications (1 of 4 stars). 6 submissions from 6 submitters: Uncertain significance (5); Likely benign (1). Last evaluated 2026-08-03.

Conditions:
Sarcotubular myopathy (LGMDR8). Also called: MUSCULAR DYSTROPHY, LIMB-GIRDLE, AUTOSOMAL RECESSIVE 8; Limb-girdle muscular dystrophy, type 2H; Hutterite type of muscular dystrophy; Autosomal recessive limb-girdle muscular dystrophy type 2H. Identifiers: Orphanet 1878, MedGen C0270968, MONDO:0009683, OMIM 254110.
Bardet-Biedl syndrome 11 (BBS11). Identifiers: Orphanet 110, MedGen C1859569, MONDO:0014439, OMIM 615988.
TRIM32-related disorder. Also called: TRIM32-related condition.
Bardet-Biedl syndrome (BBS). Identifiers: Orphanet 110, MedGen C0752166, MONDO:0015229.

Allele frequency attached by ClinVar (database versions not stated): gnomAD 0.00002; TOPMed 0.00004; gnomAD exomes 0.00005 and 0.00011; ExAC 0.00009.
gnomAD v4.1: 71 of 1,614,014 alleles (0.0044%); highest among the groups gnomAD compares: South Asian, 0.067%; no homozygotes.

Submissions (6):

PreventionGenetics, part of Exact Sciences
Classification: Uncertain significance for TRIM32-related condition. Last evaluated: 2026-08-03. Review status: criteria provided, single submitter. Criteria: ACMG Guidelines, 2015. Collection method: clinical testing. Allele origin: germline.
Comment: The TRIM32 c.1046C>G variant is predicted to result in the amino acid substitution p.Ala349Gly. To our knowledge, this variant has not been reported in the literature. This variant is reported in 0.062% of alleles in individuals of South Asian descent in gnomAD, which may be too frequent for a disease-causing variant. Although we suspect that this variant may be benign, at this time, the clinical significance of this variant is uncertain due to the absence of conclusive functional and genetic evidence.

Blueprint Genetics
Classification: Likely benign. Last evaluated: 2024-09-27. Review status: criteria provided, single submitter. Criteria: ACMG Guidelines, 2015. Collection method: clinical testing. Allele origin: germline.

Labcorp Genetics (formerly Invitae), Labcorp
Classification: Uncertain significance for Bardet-Biedl syndrome. Last evaluated: 2022-07-12. Review status: criteria provided, single submitter. Criteria: Invitae Variant Classification Sherloc (09022015). Collection method: clinical testing. Allele origin: germline.
Comment: This sequence change replaces alanine, which is neutral and non-polar, with glycine, which is neutral and non-polar, at codon 349 of the TRIM32 protein (p.Ala349Gly). This variant is present in population databases (rs774316527, gnomAD 0.06%). This variant has not been reported in the literature in individuals affected with TRIM32-related conditions. ClinVar contains an entry for this variant (Variation ID: 462945). Algorithms developed to predict the effect of missense changes on protein structure and function output the following: SIFT: "Tolerated"; PolyPhen-2: "Benign"; Align-GVGD: "Class C0". The glycine amino acid residue is found in multiple mammalian species, which suggests that this missense change does not adversely affect protein function. In summary, the available evidence is currently insufficient to determine the role of this variant in disease. Therefore, it has been classified as a Variant of Uncertain Significance.

Fulgent Genetics
Classification: Uncertain significance for Sarcotubular myopathy; Bardet-Biedl syndrome 11. Last evaluated: 2022-04-06. Review status: criteria provided, single submitter. Criteria: ACMG Guidelines, 2015. Collection method: clinical testing. Allele origin: unknown.

Eurofins Ntd Llc (ga)
Classification: Uncertain significance. Last evaluated: 2017-02-21. Review status: criteria provided, single submitter. Criteria: EGL Classification Definitions 2015. Collection method: clinical testing. Allele origin: germline. Observed: 1 variant allele, 1 heterozygote.

Breakthrough Genomics
Classification: Uncertain significance. Review status: criteria provided, single submitter. Criteria: ACMG Guidelines, 2015. Collection method: not provided. Allele origin: germline. Inheritance: Autosomal recessive inheritance. Affected: yes.